The following is an entry in ClinVar:

NM_000548.5(TSC2):c.4006-2A>G

Gene: TSC2 (TSC complex subunit 2; plus strand). Cytogenetic location: 16p13.3.
Variant type: single nucleotide variant.
Coding change: c.4006-2A>G on transcript NM_000548.5 (MANE Select); the canonical splice acceptor site of the intron before coding-DNA position 4006, A replaced by G.
Molecular consequence: splice acceptor variant.
Genome position (GRCh38, 1-based): chr16:2,084,226, A>G. VCF-style: chr16-2084226-A-G. GRCh37 (hg19) VCF-style: chr16-2134227-A-G.
Other names: c.2464-2A>G (NM_001406693.1, NM_001406692.1, NM_001406694.1); c.3898-2A>G (NM_001406667.1); c.3895-2A>G (NM_001406668.1); c.3406-2A>G (NM_001406680.1); c.3337-2A>G (NM_001406683.1, NM_001406682.1); c.3205-2A>G (NM_001406687.1, NM_001406688.1); c.2593-2A>G (NM_001406689.1); c.2533-2A>G (NM_001406690.1); and 26 more.
Identifiers: ClinVar variation 64922 (VCV000064922.10), dbSNP rs397514941, ClinGen allele CA019821.

ClinVar aggregate classification (germline): Pathogenic/Likely pathogenic. Review status: criteria provided, multiple submitters, no conflicts (2 of 4 stars). 3 submissions from 3 submitters: Pathogenic (1); Likely pathogenic (1). 1 of the submissions does not count toward it. Last evaluated 2022-05-04.

Conditions:
Tuberous sclerosis 2 (TSC2). Identifiers: Orphanet 805, MedGen C1860707, MONDO:0013199, OMIM 613254.
Tuberous sclerosis syndrome (TSC). Also called: Tuberous Sclerosis Complex; Tuberous sclerosis. Identifiers: Orphanet 805, MedGen C0041341, MONDO:0001734.
Lymphangiomyomatosis (LAM). Also called: Lymphangioleiomyomatosis; Lymphangioleiomyomatosis, somatic. Identifiers: Orphanet 538, MedGen C0751674, MONDO:0011705, OMIM 606690.

Submissions (3):

Mendelics
Classification: Pathogenic for Lymphangiomyomatosis. Last evaluated: 2022-05-04. Review status: criteria provided, single submitter. Criteria: Mendelics Assertion Criteria 2019. Collection method: clinical testing. Allele origin: germline.

Labcorp Genetics (formerly Invitae), Labcorp
Classification: Likely pathogenic for Tuberous sclerosis 2. Last evaluated: 2021-06-13. Review status: criteria provided, single submitter. Criteria: Invitae Variant Classification Sherloc (09022015). Collection method: clinical testing. Allele origin: germline.
Comment: Donor and acceptor splice site variants typically lead to a loss of protein function (PMID: 16199547), and loss-of-function variants in TSC2 are known to be pathogenic (PMID: 10205261, 17304050). Algorithms developed to predict the effect of sequence changes on RNA splicing suggest that this variant may disrupt the consensus splice site, but this prediction has not been confirmed by published transcriptional studies. This variant has been reported in individuals in the Leiden Open-source Variation Database (PMID: 21520333). ClinVar contains an entry for this variant (Variation ID: 64922). This variant is not present in population databases (ExAC no frequency). This sequence change affects an acceptor splice site in intron 33 of the TSC2 gene. It is expected to disrupt RNA splicing and likely results in an absent or disrupted protein product. In summary, the currently available evidence indicates that the variant is pathogenic, but additional data are needed to prove that conclusively. Therefore, this variant has been classified as Likely Pathogenic.

Tuberous sclerosis database (TSC2)
No classification provided. Condition: TSC. Review status: no classification provided. Criteria: Tuberous Sclerosis Database Assertion Criteria 2015. Collection method: curation. Allele origin: germline. Affected: yes. Not counted in ClinVar's aggregate classification.

Literature cited by the submitters: PubMed 16199547 (cited by Labcorp Genetics (formerly Invitae), Labcorp); PubMed 10205261 (cited by Labcorp Genetics (formerly Invitae), Labcorp); PubMed 17304050 (cited by Labcorp Genetics (formerly Invitae), Labcorp); PubMed 21520333 (cited by Labcorp Genetics (formerly Invitae), Labcorp).